The following is an entry in ClinVar:

NM_022124.6(CDH23):c.3968T>C (p.Leu1323Pro)

Genes: C10orf105 (chromosome 10 open reading frame 105; minus strand), CDH23 (cadherin related 23; plus strand). Cytogenetic location: 10q22.1.
Variant type: single nucleotide variant.
Coding change: c.3968T>C on transcript NM_022124.6 (MANE Select); coding-DNA position 3968, T replaced by C.
Protein change: p.Leu1323Pro; replaces leucine 1323 with proline.
Molecular consequence: missense variant. On other transcripts: intron variant (1).
Genome position (GRCh38, 1-based): chr10:71,732,239, T>C. VCF-style: chr10-71732239-T-C. GRCh37 (hg19) VCF-style: chr10-73491996-T-C.
Other names: c.3968T>C, p.Leu1323Pro (NM_001171930.2); c.-6+5489A>G (NM_001168390.2); short protein forms L1323P.
Identifiers: ClinVar variation 1063947 (VCV001063947.7), dbSNP rs1287199565, ClinGen allele CA377156639.
Genomic context (GRCh38, chr10:71,732,239, plus strand): 5'-TGCTCAACGAGCTGGACGAGGCCGTGCAGTTCTCCAATGCCTCATACGAGGCTGCCATCC[T>C]GGAGAATCTGGCACTGGGTACTGAGATTGTGCGGGTCCAGGCCTACTCCATCGACAACCT-3'
Protein context (NP_071407.4, residues 1313-1333): FSNASYEAAI[Leu1323Pro]ENLALGTEIV

ClinVar aggregate classification (germline): Uncertain significance (1 of 4 stars; one submission).

Allele frequency attached by ClinVar (database versions not stated): gnomAD exomes below 0.00001; TOPMed 0.00002; gnomAD 0.00002.
gnomAD v4.1: 5 of 1,613,662 alleles (0.00031%); highest among the groups gnomAD compares: Non-Finnish European, 0.00034%; no homozygotes.

Submission:

Labcorp Genetics (formerly Invitae), Labcorp
Classification: Uncertain significance. Last evaluated: 2021-08-31. Review status: criteria provided, single submitter. Criteria: Invitae Variant Classification Sherloc (09022015). Collection method: clinical testing. Allele origin: germline.
Comment: This sequence change replaces leucine with proline at codon 1323 of the CDH23 protein (p.Leu1323Pro). The leucine residue is moderately conserved and there is a moderate physicochemical difference between leucine and proline. This variant is not present in population databases (ExAC no frequency). This variant has not been reported in the literature in individuals affected with CDH23-related conditions. Algorithms developed to predict the effect of missense changes on protein structure and function are either unavailable or do not agree on the potential impact of this missense change (SIFT: "Deleterious"; PolyPhen-2: "Not Available"; Align-GVGD: "Class C45"). In summary, the available evidence is currently insufficient to determine the role of this variant in disease. Therefore, it has been classified as a Variant of Uncertain Significance.